The following is an entry in ClinVar:

ClinVar aggregate classification (germline): Uncertain significance (1 of 4 stars; one submission).

Conditions:
Inborn genetic diseases. Identifiers: MedGen C0950123, MeSH D030342.

Allele frequency attached by ClinVar (database versions not stated): gnomAD exomes below 0.00001.
gnomAD v4.1: 1 of 1,613,900 alleles (0.000062%); no homozygotes.

Submission:

Ambry Genetics
Classification: Uncertain significance for Inborn genetic diseases. Last evaluated: 2023-02-16. Review status: criteria provided, single submitter. Criteria: Ambry Variant Classification Scheme 2023. Collection method: clinical testing. Allele origin: germline.
Comment: The p.N2131S variant (also known as c.6392A>G), located in coding exon 38 of the ATR gene, results from an A to G substitution at nucleotide position 6392. The asparagine at codon 2131 is replaced by serine, an amino acid with highly similar properties. This amino acid position is conserved. In addition, this alteration is predicted to be tolerated by in silico analysis. Since supporting evidence is limited at this time, the clinical significance of this alteration remains unclear.

NM_001184.4(ATR):c.6392A>G (p.Asn2131Ser)

Gene: ATR (ATR checkpoint kinase; minus strand). Cytogenetic location: 3q23.
Variant type: single nucleotide variant.
Coding change: c.6392A>G on transcript NM_001184.4 (MANE Select); coding-DNA position 6392, A replaced by G.
Protein change: p.Asn2131Ser; replaces asparagine 2131 with serine.
Molecular consequence: missense variant.
Genome position (GRCh38, 1-based): chr3:142,469,497, T>C on the plus strand (A>G on the coding strand, the complement: ATR is on the minus strand). VCF-style: chr3-142469497-T-C. GRCh37 (hg19) VCF-style: chr3-142188339-T-C.
Other names: c.6200A>G, p.Asn2067Ser (NM_001354579.2); short protein forms N2131S, N2067S.
Identifiers: ClinVar variation 2453595 (VCV002453595.2), dbSNP rs2108279356, ClinGen allele CA354805073.